The following is an entry in ClinVar:

ClinVar aggregate classification (germline): Uncertain significance. Review status: criteria provided, single submitter (1 of 4 stars). 2 submissions from 2 submitters: Uncertain significance (1). 1 of the submissions does not count toward it. Last evaluated 2021-06-26.

Allele frequency attached by ClinVar (database versions not stated): gnomAD exomes 0.00001 and 0.00002; gnomAD 0.00002; TOPMed 0.00002; ESP Exome Variant Server 0.00008.
gnomAD v4.1: 35 of 1,613,942 alleles (0.0022%); highest among the groups gnomAD compares: African/African-American, 0.0053%; no homozygotes.

Submissions (2):

Quest Diagnostics Nichols Institute San Juan Capistrano
Classification: Uncertain significance. Last evaluated: 2021-06-26. Review status: criteria provided, single submitter. Criteria: Quest Diagnostics criteria. Collection method: clinical testing. Allele origin: unknown.

Department of Pathology and Laboratory Medicine, Sinai Health System
Classification: Uncertain significance. Review status: no assertion criteria provided. Collection method: clinical testing. Allele origin: unknown. Affected: yes. Study: The Canadian Open Genetics Repository (COGR). Not counted in ClinVar's aggregate classification.
Comment: The HBB p.Asn58Ser variant was identified in 1 of 24000 proband chromosomes (frequency: 0.00004) referred for hemoglobinopathies in an individual with familial polycythemia (Henderson_2015_PMID:26635043). The variant was identified in dbSNP (ID: rs34589620) but was not identified in ClinVar. The variant was identified in control databases in 3 of 282820 chromosomes at a frequency of 0.00001061 (Genome Aggregation Database March 6, 2019, v2.1.1). The variant was observed in the following populations: African in 1 of 24958 chromosomes (freq: 0.00004) and European (non-Finnish) in 2 of 129148 chromosomes (freq: 0.000015), but was not observed in the Latino, Ashkenazi Jewish, East Asian, European (Finnish), Other, or South Asian populations. The p.Asn58 residue is conserved across mammals and other organisms, and four out of five computational analyses (PolyPhen-2, SIFT, AlignGVGD, BLOSUM, MutationTaster) suggest that the variant may impact the protein; however, this information is not predictive enough to assume pathogenicity. The variant occurs outside of the splicing consensus sequence and 2 of 4 in silico or computational prediction software programs (SpliceSiteFinder, MaxEntScan, NNSPLICE, GeneSplicer) predict a greater than 10% difference in splicing; this is not very predictive of pathogenicity. In summary, based on the above information the clinical significance of this variant cannot be determined with certainty at this time. This variant is classified as a variant of uncertain significance.

Literature cited by the submitters: PubMed 26635043 (cited by Quest Diagnostics Nichols Institute San Juan Capistrano); PubMed 31553106 (cited by Quest Diagnostics Nichols Institute San Juan Capistrano).

NM_000518.5(HBB):c.173A>G (p.Asn58Ser)

Genes: HBB (hemoglobin subunit beta; minus strand), LOC106099062 (HBB recombination region; plus strand), LOC107133510 (origin of replication at HBB; plus strand). Cytogenetic location: 11p15.4.
Variant type: single nucleotide variant.
Coding change: c.173A>G on transcript NM_000518.5 (MANE Select); coding-DNA position 173, A replaced by G.
Protein change: p.Asn58Ser; replaces asparagine 58 with serine.
Molecular consequence: missense variant.
Genome position (GRCh38, 1-based): chr11:5,226,719, T>C on the plus strand (A>G on the coding strand, the complement: HBB is on the minus strand). VCF-style: chr11-5226719-T-C. GRCh37 (hg19) VCF-style: chr11-5247949-T-C.
Other names: short protein forms N58S.
Identifiers: ClinVar variation 1050399 (VCV001050399.2), dbSNP rs34589620, ClinGen allele CA217114231.